The following is an entry in ClinVar:

ClinVar aggregate classification (germline): Uncertain significance (1 of 4 stars; one submission).

Conditions:
Hereditary spastic paraplegia 39 (SPG39). Also called: SPASTIC PARAPLEGIA 39, AUTOSOMAL RECESSIVE; Spastic Paraplegia Type 39 (SPG39). Identifiers: Orphanet 139480, MedGen C2677586, MONDO:0012787, OMIM 612020.

Allele frequency attached by ClinVar (database versions not stated): gnomAD exomes below 0.00001.
gnomAD v4.1: 1 of 1,605,322 alleles (0.000062%); highest among the groups gnomAD compares: South Asian, 0.0011%; no homozygotes.

Submission:

Labcorp Genetics (formerly Invitae), Labcorp
Classification: Uncertain significance for Hereditary spastic paraplegia 39. Last evaluated: 2023-08-10. Review status: criteria provided, single submitter. Criteria: Invitae Variant Classification Sherloc (09022015). Collection method: clinical testing. Allele origin: germline.
Comment: In summary, the available evidence is currently insufficient to determine the role of this variant in disease. Therefore, it has been classified as a Variant of Uncertain Significance. Advanced modeling of protein sequence and biophysical properties (such as structural, functional, and spatial information, amino acid conservation, physicochemical variation, residue mobility, and thermodynamic stability) has been performed at Invitae for this missense variant, however the output from this modeling did not meet the statistical confidence thresholds required to predict the impact of this variant on PNPLA6 protein function. ClinVar contains an entry for this variant (Variation ID: 1716898). This variant has not been reported in the literature in individuals affected with PNPLA6-related conditions. This variant is not present in population databases (gnomAD no frequency). This sequence change replaces glycine, which is neutral and non-polar, with glutamic acid, which is acidic and polar, at codon 8 of the PNPLA6 protein (p.Gly8Glu).

NC_000019.10:g.7535573G>A

Genes: PNPLA6 (patatin like domain 6, lysophospholipase; plus strand), LOC130063377 (ATAC-STARR-seq lymphoblastoid active region 13887; plus strand). Cytogenetic location: 19p13.2.
Variant type: single nucleotide variant.
Molecular consequence: missense variant (on NM_001166111.2).
Genome position: GRCh38 VCF-style: chr19-7535573-G-A. GRCh37 (hg19) VCF-style: chr19-7600459-G-A.
Other names: c.23G>A, p.Gly8Glu (NM_001166111.2, NM_001166112.2, NM_001166113.1 and 1 more transcripts); short protein forms G8E.
Identifiers: ClinVar variation 1716898 (VCV001716898.6), dbSNP rs2512484563, ClinGen allele CA403093560.
Genomic context (GRCh38, chr19:7,535,573, plus strand): 5'-CCGGGCTACCAGATCGGCCGTCCAGCTGGAATCAACCGATGGAGGCTCCGCTGCAAACTG[G>A]AATGGTAAGGGGTGGGGCGGAGACCGGGTAGGTGCCGGCGTGGGGCGCCAAGAGGACTAC-3'